The following is an entry in ClinVar:

NM_015080.4(NRXN2):c.1090G>A (p.Val364Ile)

Gene: NRXN2 (neurexin 2; minus strand). Cytogenetic location: 11q13.1.
Variant type: single nucleotide variant.
Coding change: c.1090G>A on transcript NM_015080.4 (MANE Select); coding-DNA position 1090, G replaced by A.
Protein change: p.Val364Ile; replaces valine 364 with isoleucine.
Molecular consequence: missense variant.
Genome position (GRCh38, 1-based): chr11:64,685,708, C>T on the plus strand (G>A on the coding strand, the complement: NRXN2 is on the minus strand). VCF-style: chr11-64685708-C-T. GRCh37 (hg19) VCF-style: chr11-64453180-C-T.
Other names: c.1090G>A, p.Val364Ile (NM_001376262.1, NM_001376263.1, NM_001376265.1 and 1 more transcripts); c.1087G>A, p.Val363Ile (NM_001376266.1); c.1018G>A, p.Val340Ile (NM_138732.3); c.1090G>A (NM_015080.3); short protein forms V340I, V364I, V363I.
Identifiers: ClinVar variation 129828 (VCV000129828.9), dbSNP rs146308270, ClinGen allele CA154150.
Genomic context (GRCh38, chr11:64,685,708, plus strand): 5'-GGCGCAGGTTTCGGGTGACCCGGACGTCGTGCCAGGCGTTGTCGTTGAACTTGCCATTGA[C>T]GGGTTCCACAAGGGCCTCGAAGGCACCTGAGCCTAGGTTGATGACCAGCCAGACAGCCCC-3'
Protein context (NP_055895.1, residues 354-374): SGAFEALVEP[Val364Ile]NGKFNDNAWH

ClinVar aggregate classification (germline): Likely benign. Review status: criteria provided, multiple submitters, no conflicts (2 of 4 stars). 3 submissions from 3 submitters: Likely benign (2). 1 of the submissions does not count toward it. Last evaluated 2015-01-20.

Conditions:
NRXN2-related disorder. Also called: NRXN2-related condition.

Allele frequency attached by ClinVar (database versions not stated): 1000 Genomes Project 30x 0.00016; 1000 Genomes Project 0.00020; TOPMed 0.00076; ExAC 0.00079; gnomAD exomes 0.00085 and 0.00103; gnomAD 0.00086 and 0.00093; ESP Exome Variant Server 0.00154.
gnomAD v4.1: 1,647 of 1,614,220 alleles (0.1%); highest among the groups gnomAD compares: Non-Finnish European, 0.12%; 5 homozygotes.

Submissions (3):

Genetic Services Laboratory, University of Chicago
Classification: Likely benign. Last evaluated: 2015-01-20. Review status: criteria provided, single submitter. Criteria: ACMG Guidelines, 2015. Collection method: clinical testing. Allele origin: germline.

Breakthrough Genomics
Classification: Likely benign. Review status: criteria provided, single submitter. Criteria: ACMG Guidelines, 2015. Collection method: not provided. Allele origin: germline. Inheritance: Unknown mechanism. Affected: yes.

PreventionGenetics, part of Exact Sciences
Classification: Likely benign for NRXN2-related condition. Last evaluated: 2022-08-02. Review status: no assertion criteria provided. Collection method: clinical testing. Allele origin: germline. Not counted in ClinVar's aggregate classification.
Comment: This variant is classified as likely benign based on ACMG/AMP sequence variant interpretation guidelines (Richards et al. 2015 PMID: 25741868, with internal and published modifications).